The following is an entry in ClinVar:

ClinVar aggregate classification (germline): Likely benign (1 of 4 stars; one submission).

Conditions:
Tyrosinemia type II (TYRSN2). Also called: KERATOSIS PALMOPLANTARIS WITH CORNEAL DYSTROPHY; OREGON TYPE TYROSINEMIA; TAT DEFICIENCY; TYROSINE AMINOTRANSFERASE DEFICIENCY; TYROSINE TRANSAMINASE DEFICIENCY. Identifiers: Orphanet 28378, MedGen C0268487, MONDO:0010160, OMIM 276600.

Allele frequency attached by ClinVar (database versions not stated): gnomAD 0.00020 and 0.00025; TOPMed 0.00027; 1000 Genomes Project 0.00180; 1000 Genomes Project 30x 0.00187.

Submission:

Illumina Laboratory Services, Illumina
Classification: Likely benign for Tyrosinemia type II. Last evaluated: 2018-01-12. Review status: criteria provided, single submitter. Criteria: ICSL Variant Classification Criteria 13 December 2019. Collection method: clinical testing. Allele origin: germline.
Comment: This variant was observed in the ICSL laboratory as part of a predisposition screen in an ostensibly healthy population. It had not been previously curated by ICSL or reported in the Human Gene Mutation Database (HGMD: prior to June 1st, 2018), and was therefore a candidate for classification through an automated scoring system. Utilizing variant allele frequency, disease prevalence and penetrance estimates, and inheritance mode, an automated score was calculated to assess if this variant is too frequent to cause the disease. Based on the score and internal cut-off values, a variant classified as likely benign is not then subjected to further curation. The score for this variant resulted in a classification of likely benign for this disease.

NM_000353.3(TAT):c.*863G>A

Genes: TAT (tyrosine aminotransferase; minus strand), TAT-AS1 (TAT antisense RNA 1; plus strand). Cytogenetic location: 16q22.2.
Variant type: single nucleotide variant.
Coding change: c.*863G>A on transcript NM_000353.3 (MANE Select); 863 bases downstream of the stop codon, G replaced by A.
Molecular consequence: 3 prime UTR variant.
Genome position (GRCh38, 1-based): chr16:71,567,281, C>T on the plus strand (G>A on the coding strand, the complement: TAT is on the minus strand). VCF-style: chr16-71567281-C-T. GRCh37 (hg19) VCF-style: chr16-71601184-C-T.
Identifiers: ClinVar variation 887363 (VCV000887363.4), dbSNP rs185984423, ClinGen allele CA283577686.